The following is an entry in ClinVar:

NM_001465.6(FYB1):c.2072-9T>C

Gene: FYB1 (FYN binding protein 1; minus strand). Cytogenetic location: 5p13.1.
Variant type: single nucleotide variant.
Coding change: c.2072-9T>C on transcript NM_001465.6 (MANE Select); 9 bases into the intron before coding-DNA position 2072, T replaced by C.
Molecular consequence: intron variant.
Genome position (GRCh38, 1-based): chr5:39,122,411, A>G on the plus strand (T>C on the coding strand, the complement: FYB1 is on the minus strand). VCF-style: chr5-39122411-A-G. GRCh37 (hg19) VCF-style: chr5-39122513-A-G.
Other names: p.?; c.2102-9T>C (NM_001243093.2); c.1934-9T>C (NM_199335.5); c.1964-9T>C (NM_018594.2); c.2072-9T>C (NM_001349333.2).
Identifiers: ClinVar variation 4684833 (VCV004684833.1).

ClinVar aggregate classification (germline): Likely benign (1 of 4 stars; one submission).

gnomAD v4.1: 162 of 1,536,430 alleles (0.011%); highest among the groups gnomAD compares: South Asian, 0.18%; 1 homozygote.

Submission:

Mayo Clinic Laboratories, Mayo Clinic
Classification: Likely benign. Last evaluated: 2025-03-06. Review status: criteria provided, single submitter. Criteria: ACMG Guidelines, 2015. Collection method: clinical testing. Allele origin: germline. Observed: 1 variant allele.
Comment: BS1_supporting, BP4, BP7